The following is an entry in ClinVar:

NM_000257.4(MYH7):c.505A>G (p.Arg169Gly)

Gene: MYH7 (myosin heavy chain 7; minus strand). Cytogenetic location: 14q11.2.
Variant type: single nucleotide variant.
Coding change: c.505A>G on transcript NM_000257.4 (MANE Select); coding-DNA position 505, A replaced by G.
Protein change: p.Arg169Gly; replaces arginine 169 with glycine.
Molecular consequence: missense variant.
Genome position (GRCh38, 1-based): chr14:23,432,504, T>C on the plus strand (A>G on the coding strand, the complement: MYH7 is on the minus strand). VCF-style: chr14-23432504-T-C. GRCh37 (hg19) VCF-style: chr14-23901713-T-C.
Other names: short protein forms R169G.
Identifiers: ClinVar variation 177664 (VCV000177664.6), dbSNP rs727504267, ClinGen allele CA015620.

ClinVar aggregate classification (germline): Likely pathogenic. Review status: criteria provided, multiple submitters, no conflicts (2 of 4 stars). 3 submissions from 3 submitters: Likely pathogenic (2). 1 of the submissions does not count toward it. Last evaluated 2025-04-08.

Conditions:
Cardiovascular phenotype. Identifiers: MedGen CN230736.
Hypertrophic cardiomyopathy. Also called: HYPERTROPHIC MYOCARDIOPATHY. Identifiers: Orphanet 217569, MedGen C0007194, MeSH D002312, MONDO:0005045, HP:0001639.

Submissions (3):

Ambry Genetics
Classification: Likely pathogenic for Cardiovascular phenotype. Last evaluated: 2025-04-08. Review status: criteria provided, single submitter. Criteria: Ambry Variant Classification Scheme 2023. Collection method: clinical testing. Allele origin: germline.
Comment: The p.R169G variant (also known as c.505A>G), located in coding exon 4 of the MYH7 gene, results from an A to G substitution at nucleotide position 505. The arginine at codon 169 is replaced by glycine, an amino acid with dissimilar properties. This variant was reported in individual(s) with features consistent with hypertrophic cardiomyopathy (HCM) (Maron BJ et al. JAMA, 2009 Oct;302:1681-4; Miller EM et al. J Genet Couns, 2013 Apr;22:258-67; Alfares AA et al. Genet Med, 2015 Nov;17:880-8; Miller RJH et al. PLoS One, 2019 Jun;14:e0217612; Ware SM et al. Am J Hum Genet, 2022 Feb;109:282-298; Ho CY et al. Circulation, 2018 Oct;138:1387-1398; Ambry internal data). This amino acid position is highly conserved in available vertebrate species. In addition, this alteration is predicted to be deleterious by in silico analysis. This variant is considered to be rare based on population cohorts in the Genome Aggregation Database (gnomAD). Based on the majority of available evidence to date, this variant is likely to be pathogenic.

Stanford Center for Inherited Cardiovascular Disease, Stanford University
Classification: Likely pathogenic. Last evaluated: 2015-02-09. Review status: criteria provided, single submitter. Criteria: ACMG Guidelines, 2015. Collection method: provider interpretation. Allele origin: germline.

Laboratory for Molecular Medicine, Mass General Brigham Personalized Medicine
Classification: Likely pathogenic for Hypertrophic cardiomyopathy. Last evaluated: 2016-02-03. Review status: no assertion criteria provided. Collection method: clinical testing. Allele origin: germline. Observed: 10 variant alleles. Not counted in ClinVar's aggregate classification.
Comment: proposed classification - variant undergoing re-assessment, contact laboratory

Literature cited by the submitters: PubMed 19843903 (cited by Ambry Genetics and Laboratory for Molecular Medicine, Mass General Brigham Personalized Medicine); PubMed 23054336 (cited by Ambry Genetics); PubMed 25611685 (cited by Ambry Genetics); PubMed 30297972 (cited by Ambry Genetics); PubMed 31199839 (cited by Ambry Genetics); PubMed 35026164 (cited by Ambry Genetics).